The following is an entry in ClinVar:

NM_000203.5(IDUA):c.1833A>G (p.Thr611=)

Gene: IDUA (alpha-L-iduronidase; plus strand). Cytogenetic location: 4p16.3.
Variant type: single nucleotide variant.
Coding change: c.1833A>G on transcript NM_000203.5 (MANE Select); coding-DNA position 1833, A replaced by G.
Protein change: p.Thr611=; no amino-acid change (threonine 611 retained).
Molecular consequence: synonymous variant. On other transcripts: non-coding transcript variant (1).
Genome position (GRCh38, 1-based): chr4:1,004,264, A>G. VCF-style: chr4-1004264-A-G. GRCh37 (hg19) VCF-style: chr4-998052-A-G.
Other names: p.Thr611=; c.1437A>G, p.Thr479= (NM_001363576.1).
Identifiers: ClinVar variation 4684777 (VCV004684777.1).

ClinVar aggregate classification (germline): Likely benign (1 of 4 stars; one submission).

gnomAD v4.1: 1 of 1,609,962 alleles (0.000062%); highest among the groups gnomAD compares: Non-Finnish European, 0.000085%; no homozygotes.

Submission:

Mayo Clinic Laboratories, Mayo Clinic
Classification: Likely benign. Last evaluated: 2024-11-08. Review status: criteria provided, single submitter. Criteria: ACMG Guidelines, 2015. Collection method: clinical testing. Allele origin: germline. Observed: 1 variant allele.
Comment: PM2_supporting